The following is an entry in ClinVar:

Single allele

Genes: TRQ-CTG3-2 (tRNA-Gln (anticodon CTG) 3-2; plus strand), TRQ-CTG4-1 (tRNA-Gln (anticodon CTG) 4-1; minus strand), TRQ-CTG7-1 (tRNA-Gln (anticodon CTG) 7-1; plus strand), MIR6077 (microRNA 6077; plus strand), NBPF11 (NBPF member 11; minus strand) and 51 more. Cytogenetic location: 1q21.1-21.2.
Variant type: Duplication.
Identifiers: ClinVar variation 1679693 (VCV001679693.1).

ClinVar aggregate classification (germline): Pathogenic (1 of 4 stars; one submission).

Conditions:
Chromosome 1q21.1 duplication syndrome. Also called: 1q21.1 recurrent microduplication. Identifiers: Orphanet 250994, MedGen C2675891, MONDO:0012915, OMIM 612475.

Submission:

New York Genome Center
Classification: Pathogenic for Chromosome 1q21.1 duplication syndrome. Last evaluated: 2021-06-01. Review status: criteria provided, single submitter. Criteria: NYGC Assertion Criteria 2020. Collection method: clinical testing. Allele origin: inherited. Affected: yes. Observed: 1 variant allele. Study: CSER-NYCKidSeq.
Comment: The ~1.38Mb duplication on the long arm of chromosome 1 (1q21.1) is a recurrent microduplication that contains 42 genes, 9 of which are OMIM associated. Based on the available evidence, e.g., absence in population databases, observation of several individuals with similar duplications in the literature, and its genomic content, the inherited ~1.38Mb duplication in the 1q21.1 region is reported as Pathogenic.